The following is an entry in ClinVar:

NM_022124.6(CDH23):c.3106+4C>T

Gene: CDH23 (cadherin related 23; plus strand). Cytogenetic location: 10q22.1.
Variant type: single nucleotide variant.
Coding change: c.3106+4C>T on transcript NM_022124.6 (MANE Select); 4 bases into the intron after coding-DNA position 3106, C replaced by T.
Molecular consequence: intron variant. On other transcripts: missense variant (1).
Genome position (GRCh38, 1-based): chr10:71,707,053, C>T. VCF-style: chr10-71707053-C-T. GRCh37 (hg19) VCF-style: chr10-73466810-C-T.
Other names: c.3110C>T, p.Ala1037Val (NM_001171931.2); c.3106+4C>T (NM_001171930.2); short protein forms A1037V.
Identifiers: ClinVar variation 162902 (VCV000162902.5), dbSNP rs1900497, ClinGen allele CA175479.

ClinVar aggregate classification (germline): Uncertain significance. Review status: criteria provided, single submitter (1 of 4 stars). 2 submissions from 2 submitters: Uncertain significance (1). 1 of the submissions does not count toward it. Last evaluated 2014-08-28.

Conditions:
Usher syndrome type 1 (USH1). Also called: RETINITIS PIGMENTOSA AND CONGENITAL DEAFNESS. Identifiers: Orphanet 231169, Orphanet 886, MedGen C1568247, MONDO:0010168, OMIM 276900.

Allele frequency attached by ClinVar (database versions not stated): TOPMed 0.00001.
gnomAD v4.1: 2 of 1,598,242 alleles (0.00013%); highest among the groups gnomAD compares: African/African-American, 0.0027%; no homozygotes.

Submissions (2):

Laboratory for Molecular Medicine, Mass General Brigham Personalized Medicine
Classification: Uncertain significance. Last evaluated: 2014-08-28. Review status: criteria provided, single submitter. Criteria: LMM Criteria. Collection method: clinical testing. Allele origin: germline. Observed: 1 variant allele.
Comment: Variant classified as Uncertain Significance - Favor Benign. The Ala1037Val vari ant in CDH23 (NM_01171391.1) has not been previously reported in individuals wit h hearing loss and was absent from large population studies. The alanine (Ala) a t position 1037 is not conserved in mammals or evolutionary distant species, rai sing the possibility that a change at this position may be tolerated. Additional computational prediction tools suggest the Ala1037Val variant may not impact th e protein, though this information is not predictive enough to rule out pathogen icity. Note that in an alternate transcript of CDH23, the variant occurs at the +4 splice site position (c.3106+4C>T in NM_022124.5). However, this variant does not affect the invariant +1/+2 positions of the splice site consensus sequence and computational tools do not predict an impact to splicing. In summary, while the clinical significance of the Ala1037Val variant is uncertain, these data sug gest that is more likely to be benign.

Natera, Inc.
Classification: Uncertain significance for Usher syndrome type 1. Last evaluated: 2021-08-30. Review status: no assertion criteria provided. Collection method: clinical testing. Allele origin: germline. Not counted in ClinVar's aggregate classification.